The following is an entry in ClinVar:

ClinVar aggregate classification (germline): Benign/Likely benign. Review status: criteria provided, multiple submitters, no conflicts (2 of 4 stars). 8 submissions from 6 submitters: Benign (3); Likely benign (3). 2 of the submissions do not count toward it. Last evaluated 2026-01-31.

Conditions:
Pyruvate dehydrogenase complex deficiency (PDHC). Also called: PYRUVATE DECARBOXYLASE DEFICIENCY; Pyruvate Dehydrogenase Complex Deficiency Disease; Pyruvate dehydrogenase deficiency; Ataxia with lactic acidosis 1; PDH DEFICIENCY. Identifiers: Orphanet 765, Orphanet 79243, MedGen C0034345, MONDO:0019169.
Pyruvate dehydrogenase E3 deficiency (DLDD). Also called: Dihydrolipoamide Dehydrogenase E3 Deficiency; Lipoamide dehydrogenase deficiency; Dihydrolipoamide Dehydrogenase (E3) Deficiency; Dihydrolipoamide Dehydrogenase Deficiency; MAPLE SYRUP URINE DISEASE, TYPE III; DLD DEFICIENCY. Identifiers: Orphanet 2394, Orphanet 765, MedGen C5574660, MONDO:0009529, OMIM 246900.
Leigh syndrome (NULS). Also called: LEIGH SYNDROME, NUCLEAR; Leigh's syndrome; Leigh Syndrome (mtDNA deletion); Leigh Disease; Subacute necrotizing encephalopathy; Necrotizing encephalopathy infantile subacute of Leigh. Identifiers: Orphanet 506, MedGen C2931891, MONDO:0009723, OMIM 256000.

Allele frequency attached by ClinVar (database versions not stated): gnomAD exomes 0.00054 and 0.00155; ExAC 0.00195; 1000 Genomes Project 0.00599; gnomAD 0.00623 and 0.00666; 1000 Genomes Project 30x 0.00625; TOPMed 0.00728; ESP Exome Variant Server 0.00792.
gnomAD v4.1: 1,759 of 1,614,124 alleles (0.11%); highest among the groups gnomAD compares: African/African-American, 2.1%; 19 homozygotes.

Submissions (8):

Labcorp Genetics (formerly Invitae), Labcorp
Classification: Benign for Pyruvate dehydrogenase E3 deficiency. Last evaluated: 2026-01-31. Review status: criteria provided, single submitter. Criteria: Invitae Variant Classification Sherloc (09022015). Collection method: clinical testing. Allele origin: germline.

Illumina Laboratory Services, Illumina
Classification: Benign for Pyruvate dehydrogenase E3 deficiency. Last evaluated: 2018-01-13. Review status: criteria provided, single submitter. Criteria: ICSL Variant Classification Criteria 13 December 2019. Collection method: clinical testing. Allele origin: germline.
Comment: This variant was observed in the ICSL laboratory as part of a predisposition screen in an ostensibly healthy population. It had not been previously curated by ICSL or reported in the Human Gene Mutation Database (HGMD: prior to June 1st, 2018), and was therefore a candidate for classification through an automated scoring system. Utilizing variant allele frequency, disease prevalence and penetrance estimates, and inheritance mode, an automated score was calculated to assess if this variant is too frequent to cause the disease. Based on the score and internal cut-off values, a variant classified as benign is not then subjected to further curation. The score for this variant resulted in a classification of benign for this disease.

Illumina Laboratory Services, Illumina
Classification: Likely benign for Leigh syndrome. Last evaluated: 2018-01-13. Review status: criteria provided, single submitter. Criteria: ICSL Variant Classification Criteria 13 December 2019. Collection method: clinical testing. Allele origin: germline.
Comment: This variant was observed in the ICSL laboratory as part of a predisposition screen in an ostensibly healthy population. It had not been previously curated by ICSL or reported in the Human Gene Mutation Database (HGMD: prior to June 1st, 2018), and was therefore a candidate for classification through an automated scoring system. Utilizing variant allele frequency, disease prevalence and penetrance estimates, and inheritance mode, an automated score was calculated to assess if this variant is too frequent to cause the disease. Based on the score and internal cut-off values, a variant classified as likely benign is not then subjected to further curation. The score for this variant resulted in a classification of likely benign for this disease.

Illumina Laboratory Services, Illumina
Classification: Likely benign for Pyruvate dehydrogenase complex deficiency. Last evaluated: 2018-01-13. Review status: criteria provided, single submitter. Criteria: ICSL Variant Classification Criteria 13 December 2019. Collection method: clinical testing. Allele origin: germline.
Comment: the same text as in the submission from Illumina Laboratory Services, Illumina above.

GeneDx
Classification: Benign. Last evaluated: 2013-03-15. Review status: criteria provided, single submitter. Criteria: GeneDx Variant Classification (06012015). Collection method: clinical testing. Allele origin: germline. Affected: yes.
Comment: This variant is considered likely benign or benign based on one or more of the following criteria: it is a conservative change, it occurs at a poorly conserved position in the protein, it is predicted to be benign by multiple in silico algorithms, and/or has population frequency not consistent with disease.

Breakthrough Genomics
Classification: Likely benign. Review status: criteria provided, single submitter. Criteria: ACMG Guidelines, 2015. Collection method: not provided. Allele origin: germline. Inheritance: Autosomal recessive inheritance. Affected: yes.

Natera, Inc.
Classification: Benign for Maple syrup urine disease type 3. Last evaluated: 2021-02-26. Review status: no assertion criteria provided. Collection method: clinical testing. Allele origin: germline. Not counted in ClinVar's aggregate classification.

Mayo Clinic Laboratories, Mayo Clinic
Classification: Likely benign. Last evaluated: 2016-02-29. Review status: no assertion criteria provided. Collection method: clinical testing. Allele origin: unknown. Not counted in ClinVar's aggregate classification.

NM_000108.5(DLD):c.34G>A (p.Ala12Thr)

Gene: DLD (dihydrolipoamide dehydrogenase; plus strand). Cytogenetic location: 7q31.1.
Variant type: single nucleotide variant.
Coding change: c.34G>A on transcript NM_000108.5 (MANE Select); coding-DNA position 34, G replaced by A.
Protein change: p.Ala12Thr; replaces alanine 12 with threonine.
Molecular consequence: missense variant. On other transcripts: 5 prime UTR variant (1).
Genome position (GRCh38, 1-based): chr7:107,891,284, G>A. VCF-style: chr7-107891284-G-A. GRCh37 (hg19) VCF-style: chr7-107531729-G-A.
Other names: p.A12T:GCC>ACC; c.-115G>A (NM_001289750.1); c.34G>A, p.Ala12Thr (NM_001289751.1, NM_001289752.1); short protein forms A12T.
Identifiers: ClinVar variation 137103 (VCV000137103.23), dbSNP rs75077312, ClinGen allele CA290616.